The following is an entry in ClinVar:

ClinVar aggregate classification (germline): Uncertain significance. Review status: criteria provided, multiple submitters, no conflicts (2 of 4 stars). 2 submissions from 2 submitters: Uncertain significance (2). Last evaluated 2024-06-08.

Conditions:
Inborn genetic diseases. Identifiers: MedGen C0950123, MeSH D030342.

Allele frequency attached by ClinVar (database versions not stated): ExAC 0.00001; TOPMed 0.00001; gnomAD exomes 0.00002; gnomAD 0.00003.
gnomAD v4.1: 31 of 1,575,870 alleles (0.002%); highest among the groups gnomAD compares: African/African-American, 0.0041%; no homozygotes.

Submissions (2):

GeneDx
Classification: Uncertain significance. Last evaluated: 2024-06-08. Review status: criteria provided, single submitter. Criteria: GeneDx Variant Classification Process June 2021. Collection method: clinical testing. Allele origin: germline. Affected: yes.
Comment: Not observed at significant frequency in large population cohorts (gnomAD); In silico analysis supports that this missense variant has a deleterious effect on protein structure/function; Has not been previously published as pathogenic or benign to our knowledge

Ambry Genetics
Classification: Uncertain significance for Inborn genetic diseases. Last evaluated: 2024-02-28. Review status: criteria provided, single submitter. Criteria: Ambry Variant Classification Scheme 2023. Collection method: clinical testing. Allele origin: germline.

NM_018060.4(IARS2):c.2045G>A (p.Gly682Glu)

Gene: IARS2 (isoleucyl-tRNA synthetase 2, mitochondrial; plus strand). Cytogenetic location: 1q41.
Variant type: single nucleotide variant.
Coding change: c.2045G>A on transcript NM_018060.4 (MANE Select); coding-DNA position 2045, G replaced by A.
Protein change: p.Gly682Glu; replaces glycine 682 with glutamic acid.
Molecular consequence: missense variant.
Genome position (GRCh38, 1-based): chr1:220,136,907, G>A. VCF-style: chr1-220136907-G-A. GRCh37 (hg19) VCF-style: chr1-220310249-G-A.
Other names: short protein forms G682E.
Identifiers: ClinVar variation 3107835 (VCV003107835.2), dbSNP rs775422624, ClinGen allele CA1401658.